The following is an entry in ClinVar:

NM_080473.5(GATA5):c.1173G>C (p.Trp391Cys)

Gene: GATA5 (GATA binding protein 5; minus strand). Cytogenetic location: 20q13.33.
Variant type: single nucleotide variant.
Coding change: c.1173G>C on transcript NM_080473.5 (MANE Select); coding-DNA position 1173, G replaced by C.
Protein change: p.Trp391Cys; replaces tryptophan 391 with cysteine.
Molecular consequence: missense variant.
Genome position (GRCh38, 1-based): chr20:62,464,857, C>G on the plus strand (G>C on the coding strand, the complement: GATA5 is on the minus strand). VCF-style: chr20-62464857-C-G. GRCh37 (hg19) VCF-style: chr20-61039913-C-G.
Other names: c.1173G>C (NM_080473.4); short protein forms W391C.
Identifiers: ClinVar variation 1421773 (VCV001421773.7), dbSNP rs782759156, ClinGen allele CA9946014.

ClinVar aggregate classification (germline): Uncertain significance. Review status: criteria provided, multiple submitters, no conflicts (2 of 4 stars). 2 submissions from 2 submitters: Uncertain significance (2). Last evaluated 2025-08-03.

Allele frequency attached by ClinVar (database versions not stated): ExAC 0.00001.
gnomAD v4.1: 29 of 1,607,846 alleles (0.0018%); highest among the groups gnomAD compares: Non-Finnish European, 0.0024%; no homozygotes.

Submissions (2):

Labcorp Genetics (formerly Invitae), Labcorp
Classification: Uncertain significance. Last evaluated: 2025-08-03. Review status: criteria provided, single submitter. Criteria: Invitae Variant Classification Sherloc (09022015). Collection method: clinical testing. Allele origin: germline.
Comment: This sequence change replaces tryptophan, which is neutral and slightly polar, with cysteine, which is neutral and slightly polar, at codon 391 of the GATA5 protein (p.Trp391Cys). The frequency data for this variant in the population databases is considered unreliable, as metrics indicate poor data quality at this position in the gnomAD database. This variant has not been reported in the literature in individuals affected with GATA5-related conditions. ClinVar contains an entry for this variant (Variation ID: 1421773). An algorithm developed to predict the effect of missense changes on protein structure and function (PolyPhen-2) suggests that this variant is likely to be disruptive. In summary, the available evidence is currently insufficient to determine the role of this variant in disease. Therefore, it has been classified as a Variant of Uncertain Significance.

Ambry Genetics
Classification: Uncertain significance. Last evaluated: 2022-04-08. Review status: criteria provided, single submitter. Criteria: Ambry Variant Classification Scheme 2023. Collection method: clinical testing. Allele origin: germline.